The following is an entry in ClinVar:

NM_024757.5(EHMT1):c.642+1G>T

Gene: EHMT1 (euchromatic histone lysine methyltransferase 1; plus strand). Cytogenetic location: 9q34.3.
Variant type: single nucleotide variant.
Coding change: c.642+1G>T on transcript NM_024757.5 (MANE Select); the canonical splice donor site of the intron after coding-DNA position 642, G replaced by T.
Molecular consequence: splice donor variant.
Genome position (GRCh38, 1-based): chr9:137,717,183, G>T. VCF-style: chr9-137717183-G-T. GRCh37 (hg19) VCF-style: chr9-140611635-G-T.
Other names: c.642+1G>T (NM_001354263.2, NM_001145527.2, NM_001354611.2); c.549+1G>T (NM_001354259.2, NM_001354612.2).
Identifiers: ClinVar variation 2429620 (VCV002429620.1), dbSNP rs2135513350, ClinGen allele CA375766597.

ClinVar aggregate classification (germline): Pathogenic (1 of 4 stars; one submission).

Submission:

GeneDx
Classification: Pathogenic. Last evaluated: 2022-08-08. Review status: criteria provided, single submitter. Criteria: GeneDx Variant Classification Process June 2021. Collection method: clinical testing. Allele origin: germline. Affected: yes.
Comment: Canonical splice site variant predicted to result in a null allele in a gene for which loss of function is a known mechanism of disease; Not observed at significant frequency in large population cohorts (gnomAD); Has not been previously published as pathogenic or benign to our knowledge